The following is an entry in ClinVar:

NM_004453.4(ETFDH):c.380T>C (p.Leu127Pro)

Gene: ETFDH (electron transfer flavoprotein dehydrogenase; plus strand). Cytogenetic location: 4q32.1.
Variant type: single nucleotide variant.
Coding change: c.380T>C on transcript NM_004453.4 (MANE Select); coding-DNA position 380, T replaced by C.
Protein change: p.Leu127Pro; replaces leucine 127 with proline.
Molecular consequence: missense variant.
Genome position (GRCh38, 1-based): chr4:158,682,399, T>C. VCF-style: chr4-158682399-T-C. GRCh37 (hg19) VCF-style: chr4-159603551-T-C.
Other names: p.L127P:CTC>CCC; c.380T>C (NM_004453.3); c.239T>C, p.Leu80Pro (NM_001281737.2); c.197T>C, p.Leu66Pro (NM_001281738.1); short protein forms L127P, L66P, L80P.
Identifiers: ClinVar variation 203712 (VCV000203712.5), dbSNP rs121964956, ClinGen allele CA312523.
Genomic context (GRCh38, chr4:158,682,399, plus strand): 5'-CCCAGATAGGAGCTCATACTCTCTCAGGGGCTTGCCTTGATCCAGGTGCTTTTAAAGAAC[T>C]CTTCCCAGACTGGAAAGAGAAGGGGGTATGAAAAATTGTTTTTTATACAAAGTCTAATCT-3'
Protein context (NP_004444.2, residues 117-137): ACLDPGAFKE[Leu127Pro]FPDWKEKGAP

ClinVar aggregate classification (germline): Likely pathogenic. Review status: criteria provided, multiple submitters, no conflicts (2 of 4 stars). 3 submissions from 3 submitters: Likely pathogenic (3). Last evaluated 2025-02-15.

Conditions:
Glutaric acidemia type 2C.
Multiple acyl-CoA dehydrogenase deficiency (MADD). Also called: ETHYLMALONIC-ADIPICACIDURIA; GA II; Glutaric aciduria, type 2; Glutaric acidemia type II; GA 2; Glutaric Acidemia type 2. Identifiers: Orphanet 26791, MedGen C0268596, MONDO:0009282, OMIM 231680.

gnomAD v4.1: 1 of 1,614,162 alleles (0.000062%); highest among the groups gnomAD compares: East Asian, 0.0022%; no homozygotes.

Submissions (3):

Natera, Inc.
Classification: Likely pathogenic for Glutaric acidemia type 2C. Last evaluated: 2025-02-15. Review status: criteria provided, single submitter. Criteria: Natera Variant Classification Schema (03/2026). Collection method: clinical testing. Allele origin: germline.
Comment: The c.380T>C variant in ETFDH is a missense variant predicted to cause substitution of leucine to proline at amino acid 127. This variant is rare in the general population with a frequency below the threshold expected for the associated phenotype(s). This variant has been observed in one or more individuals affected with the associated recessive disease, as either homozygous or compound heterozygous with a second variant (PMID: 25119904). A different variant at the same position has been determined to be Pathogenic or Likely Pathogenic. Computational prediction algorithms indicate this variant is likely to affect gene or protein function. Given the available evidence, this variant is classified as Likely Pathogenic.

Labcorp Genetics (formerly Invitae), Labcorp
Classification: Likely pathogenic for Multiple acyl-CoA dehydrogenase deficiency. Last evaluated: 2024-01-30. Review status: criteria provided, single submitter. Criteria: Invitae Variant Classification Sherloc (09022015). Collection method: clinical testing. Allele origin: germline.
Comment: This sequence change replaces leucine, which is neutral and non-polar, with proline, which is neutral and non-polar, at codon 127 of the ETFDH protein (p.Leu127Pro). This variant is present in population databases (no rsID available, gnomAD 0.006%). This missense change has been observed in individual(s) with multiple acyl-CoA dehydrogenase deficiency (PMID: 25119904). In at least one individual the data is consistent with being in trans (on the opposite chromosome) from a pathogenic variant. ClinVar contains an entry for this variant (Variation ID: 203712). Advanced modeling of protein sequence and biophysical properties (such as structural, functional, and spatial information, amino acid conservation, physicochemical variation, residue mobility, and thermodynamic stability) performed at Invitae indicates that this missense variant is expected to disrupt ETFDH protein function with a positive predictive value of 80%. This variant disrupts the p.Leu127 amino acid residue in ETFDH. Other variant(s) that disrupt this residue have been determined to be pathogenic (PMID: 19249206). This suggests that this residue is clinically significant, and that variants that disrupt this residue are likely to be disease-causing. In summary, the currently available evidence indicates that the variant is pathogenic, but additional data are needed to prove that conclusively. Therefore, this variant has been classified as Likely Pathogenic.

GeneDx
Classification: Likely pathogenic. Last evaluated: 2015-07-30. Review status: criteria provided, single submitter. Criteria: GeneDx Variant Classification (06012015). Collection method: clinical testing. Allele origin: germline. Affected: yes.
Comment: p.Leu127Pro (CTC>CCC): c.380T>C missense change that is likely pathogenic. It has not been published as a mutation, nor has it been reported as a benign polymorphism to our knowledge. The L127P variant is a semi-conservative amino acid substitution, which may impact secondary protein structure as these residues differ in some properties. This substitution occurs at a position that is highly conserved across species. In silico analysis predicts this variant is probably damaging to the protein structure/function. Missense mutations at the same position (L127H and L127R) and in nearby residues (A117P, C118F, F128S, D130V, W131C, P137S) have been reported in association with glutaric aciduria II, supporting the functional importance of this region of the protein. Therefore, the L127P variant is a strong candidate for a pathogenic mutation, however the possibility that it is a benign variant cannot be excluded. The variant is found in ETFDH panel(s).

Literature cited by the submitters: PubMed 25119904 (cited by Natera, Inc. and Labcorp Genetics (formerly Invitae), Labcorp); PubMed 19249206 (cited by Labcorp Genetics (formerly Invitae), Labcorp).